The following is an entry in ClinVar:

NM_001401501.2(MUC16):c.7762G>C (p.Ala2588Pro)

Gene: MUC16 (mucin 16, cell surface associated; minus strand). Cytogenetic location: 19p13.2.
Variant type: single nucleotide variant.
Coding change: c.7762G>C on transcript NM_001401501.2 (MANE Select); coding-DNA position 7762, G replaced by C.
Protein change: p.Ala2588Pro; replaces alanine 2588 with proline.
Molecular consequence: missense variant.
Genome position (GRCh38, 1-based): chr19:8,973,497, C>G on the plus strand (G>C on the coding strand, the complement: MUC16 is on the minus strand). VCF-style: chr19-8973497-C-G. GRCh37 (hg19) VCF-style: chr19-9084173-C-G.
Other names: c.8188G>C, p.Ala2730Pro (NM_001414686.1); c.7642G>C, p.Ala2548Pro (NM_001414687.1, NM_024690.2); short protein forms A2548P, A2588P, A2730P.
Identifiers: ClinVar variation 3041095 (VCV003041095.2), dbSNP rs199931004, ClinGen allele CA9172139.

ClinVar aggregate classification (germline): Likely benign (0 of 4 stars; one submission).

Conditions:
MUC16-related disorder. Also called: MUC16-related condition.

Allele frequency attached by ClinVar (database versions not stated): ExAC 0.00065; 1000 Genomes Project 0.00180; gnomAD 0.00199; TOPMed 0.00226; 1000 Genomes Project 30x 0.00234; ESP Exome Variant Server 0.00253.

Submission:

PreventionGenetics, part of Exact Sciences
Classification: Likely benign for MUC16-related condition. Last evaluated: 2019-02-18. Review status: no assertion criteria provided. Collection method: clinical testing. Allele origin: germline.
Comment: This variant is classified as likely benign based on ACMG/AMP sequence variant interpretation guidelines (Richards et al. 2015 PMID: 25741868, with internal and published modifications).